The following is an entry in ClinVar:

NM_138459.5(NUS1):c.358C>G (p.Leu120Val)

Gene: NUS1 (NUS1 dehydrodolichyl diphosphate synthase subunit; plus strand). Cytogenetic location: 6q22.1.
Variant type: single nucleotide variant.
Coding change: c.358C>G on transcript NM_138459.5 (MANE Select); coding-DNA position 358, C replaced by G.
Protein change: p.Leu120Val; replaces leucine 120 with valine.
Molecular consequence: missense variant.
Genome position (GRCh38, 1-based): chr6:117,676,028, C>G. VCF-style: chr6-117676028-C-G. GRCh37 (hg19) VCF-style: chr6-117997191-C-G.
Other names: short protein forms L120V.
Identifiers: ClinVar variation 3669242 (VCV003669242.2).

ClinVar aggregate classification (germline): Uncertain significance (1 of 4 stars; one submission).

Conditions:
Congenital disorder of glycosylation, type Iaa. Also called: Congenital disorder of glycosylation, type 1aa. Identifiers: MedGen C4310727, MONDO:0014904, OMIM 617082.

Submission:

Labcorp Genetics (formerly Invitae), Labcorp
Classification: Uncertain significance for Congenital disorder of glycosylation, type Iaa. Last evaluated: 2024-06-12. Review status: criteria provided, single submitter. Criteria: Invitae Variant Classification Sherloc (09022015). Collection method: clinical testing. Allele origin: germline.
Comment: This sequence change replaces leucine, which is neutral and non-polar, with valine, which is neutral and non-polar, at codon 120 of the NUS1 protein (p.Leu120Val). This variant is present in population databases (no rsID available, gnomAD 0.004%). This variant has not been reported in the literature in individuals affected with NUS1-related conditions. An algorithm developed to predict the effect of missense changes on protein structure and function (PolyPhen-2) suggests that this variant is likely to be disruptive. In summary, the available evidence is currently insufficient to determine the role of this variant in disease. Therefore, it has been classified as a Variant of Uncertain Significance.